The following is an entry in ClinVar:

NM_006516.4(SLC2A1):c.110A>C (p.Gln37Pro)

Gene: SLC2A1 (solute carrier family 2 member 1; minus strand). Cytogenetic location: 1p34.2.
Variant type: single nucleotide variant.
Coding change: c.110A>C on transcript NM_006516.4 (MANE Select); coding-DNA position 110, A replaced by C.
Protein change: p.Gln37Pro; replaces glutamine 37 with proline.
Molecular consequence: missense variant.
Genome position (GRCh38, 1-based): chr1:42,943,230, T>G on the plus strand (A>C on the coding strand, the complement: SLC2A1 is on the minus strand). VCF-style: chr1-42943230-T-G. GRCh37 (hg19) VCF-style: chr1-43408901-T-G.
Other names: c.110A>C (NM_006516.2); short protein forms Q37P.
Identifiers: ClinVar variation 3633559 (VCV003633559.5).

ClinVar aggregate classification (germline): Conflicting classifications of pathogenicity. Review status: criteria provided, conflicting classifications (1 of 4 stars). 2 submissions from 2 submitters: Likely pathogenic (1); Uncertain significance (1). Last evaluated 2026-04-28.

Conditions:
Inborn genetic diseases. Identifiers: MedGen C0950123, MeSH D030342.
GLUT1 deficiency syndrome 1, autosomal recessive. Identifiers: MedGen C3149117.

Submissions (2):

Ambry Genetics
Classification: Likely pathogenic for Inborn genetic diseases. Last evaluated: 2026-04-28. Review status: criteria provided, single submitter. Criteria: Ambry Variant Classification Scheme 2023. Collection method: clinical testing. Allele origin: germline.
Comment: The c.110A>C (p.Q37P) alteration is located in exon 2 (coding exon 2) of the SLC2A1 gene. This alteration results from an A to C substitution at nucleotide position 110, causing the glutamine (Q) at amino acid position 37 to be replaced by a proline (P). This variant was not reported in population-based cohorts in the Genome Aggregation Database (gnomAD). This amino acid position is highly conserved in available vertebrate species. This alteration is predicted to be deleterious by in silico analysis. Based on the available evidence, this alteration is classified as likely pathogenic.

Labcorp Genetics (formerly Invitae), Labcorp
Classification: Uncertain significance for GLUT1 deficiency syndrome 1, autosomal recessive. Last evaluated: 2024-02-02. Review status: criteria provided, single submitter. Criteria: Invitae Variant Classification Sherloc (09022015). Collection method: clinical testing. Allele origin: germline.
Comment: This sequence change replaces glutamine, which is neutral and polar, with proline, which is neutral and non-polar, at codon 37 of the SLC2A1 protein (p.Gln37Pro). This variant is not present in population databases (gnomAD no frequency). This variant has not been reported in the literature in individuals affected with SLC2A1-related conditions. Advanced modeling of protein sequence and biophysical properties (such as structural, functional, and spatial information, amino acid conservation, physicochemical variation, residue mobility, and thermodynamic stability) performed at Invitae indicates that this missense variant is expected to disrupt SLC2A1 protein function with a positive predictive value of 95%. In summary, the available evidence is currently insufficient to determine the role of this variant in disease. Therefore, it has been classified as a Variant of Uncertain Significance.